The following is an entry in ClinVar:

NM_030665.4(RAI1):c.1083G>A (p.Ser361=)

Gene: RAI1 (retinoic acid induced 1; plus strand). Cytogenetic location: 17p11.2.
Variant type: single nucleotide variant.
Coding change: c.1083G>A on transcript NM_030665.4 (MANE Select); coding-DNA position 1083, G replaced by A.
Protein change: p.Ser361=; no amino-acid change (serine 361 retained).
Molecular consequence: synonymous variant.
Genome position (GRCh38, 1-based): chr17:17,794,031, G>A. VCF-style: chr17-17794031-G-A. GRCh37 (hg19) VCF-style: chr17-17697345-G-A.
Other names: c.1083G>A (NM_030665.3).
Identifiers: ClinVar variation 2857631 (VCV002857631.4), dbSNP rs981995746, ClinGen allele CA288367488.

ClinVar aggregate classification (germline): Likely benign. Review status: criteria provided, multiple submitters, no conflicts (2 of 4 stars). 2 submissions from 2 submitters: Likely benign (2). Last evaluated 2025-02-06.

Conditions:
RAI1-related disorder. Also called: RAI1-related condition.

Allele frequency attached by ClinVar (database versions not stated): gnomAD exomes below 0.00001; gnomAD 0.00001; TOPMed 0.00002.
gnomAD v4.1: 6 of 1,613,712 alleles (0.00037%); highest among the groups gnomAD compares: South Asian, 0.0022%; no homozygotes.

Submissions (2):

PreventionGenetics, part of Exact Sciences
Classification: Likely benign for RAI1-related condition. Last evaluated: 2025-02-06. Review status: criteria provided, single submitter. Criteria: ACMG Guidelines, 2015. Collection method: clinical testing. Allele origin: germline.
Comment: This variant is classified as likely benign based on ACMG/AMP sequence variant interpretation guidelines (Richards et al. 2015 PMID: 25741868, with internal and published modifications).

Labcorp Genetics (formerly Invitae), Labcorp
Classification: Likely benign. Last evaluated: 2023-01-11. Review status: criteria provided, single submitter. Criteria: Invitae Variant Classification Sherloc (09022015). Collection method: clinical testing. Allele origin: germline.